The following is an entry in ClinVar:

NM_003470.3(USP7):c.1967A>T (p.Asn656Ile)

Gene: USP7 (ubiquitin specific peptidase 7; minus strand). Cytogenetic location: 16p13.2.
Variant type: single nucleotide variant.
Coding change: c.1967A>T on transcript NM_003470.3 (MANE Select); coding-DNA position 1967, A replaced by T.
Protein change: p.Asn656Ile; replaces asparagine 656 with isoleucine.
Molecular consequence: missense variant. On other transcripts: non-coding transcript variant (1).
Genome position (GRCh38, 1-based): chr16:8,902,162, T>A on the plus strand (A>T on the coding strand, the complement: USP7 is on the minus strand). VCF-style: chr16-8902162-T-A. GRCh37 (hg19) VCF-style: chr16-8996019-T-A.
Other names: c.1919A>T, p.Asn640Ile (NM_001286457.2); c.1670A>T, p.Asn557Ile (NM_001286458.2); c.1793A>T, p.Asn598Ile (NM_001321858.2); short protein forms N557I, N598I, N640I, N656I.
Identifiers: ClinVar variation 3900876 (VCV003900876.1).

ClinVar aggregate classification (germline): Uncertain significance (1 of 4 stars; one submission).

Submission:

GeneDx
Classification: Uncertain significance. Last evaluated: 2024-11-27. Review status: criteria provided, single submitter. Criteria: GeneDx Variant Classification Process June 2021. Collection method: clinical testing. Allele origin: germline. Affected: yes.
Comment: Not observed at significant frequency in large population cohorts (gnomAD); In silico analysis supports that this missense variant has a deleterious effect on protein structure/function; Has not been previously published as pathogenic or benign to our knowledge